The following is an entry in ClinVar:

ClinVar aggregate classification (germline): Uncertain significance. Review status: criteria provided, multiple submitters, no conflicts (2 of 4 stars). 2 submissions from 2 submitters: Uncertain significance (2). Last evaluated 2025-01-18.

Allele frequency attached by ClinVar (database versions not stated): ExAC 0.00002.
gnomAD v4.1: 3 of 1,614,236 alleles (0.00019%); highest among the groups gnomAD compares: East Asian, 0.0022%; no homozygotes.

Submissions (2):

Ambry Genetics
Classification: Uncertain significance. Last evaluated: 2025-01-18. Review status: criteria provided, single submitter. Criteria: Ambry Variant Classification Scheme 2023. Collection method: clinical testing. Allele origin: germline.

Labcorp Genetics (formerly Invitae), Labcorp
Classification: Uncertain significance. Last evaluated: 2023-10-13. Review status: criteria provided, single submitter. Criteria: Invitae Variant Classification Sherloc (09022015). Collection method: clinical testing. Allele origin: germline.
Comment: This sequence change replaces alanine, which is neutral and non-polar, with serine, which is neutral and polar, at codon 186 of the PITX1 protein (p.Ala186Ser). This variant is present in population databases (rs774275193, gnomAD 0.002%). This variant has not been reported in the literature in individuals affected with PITX1-related conditions. Advanced modeling of protein sequence and biophysical properties (such as structural, functional, and spatial information, amino acid conservation, physicochemical variation, residue mobility, and thermodynamic stability) performed at Invitae indicates that this missense variant is not expected to disrupt PITX1 protein function. In summary, the available evidence is currently insufficient to determine the role of this variant in disease. Therefore, it has been classified as a Variant of Uncertain Significance.

NM_002653.5(PITX1):c.556G>T (p.Ala186Ser)

Gene: PITX1 (paired like homeodomain 1; minus strand). Cytogenetic location: 5q31.1.
Variant type: single nucleotide variant.
Coding change: c.556G>T on transcript NM_002653.5 (MANE Select); coding-DNA position 556, G replaced by T.
Protein change: p.Ala186Ser; replaces alanine 186 with serine.
Molecular consequence: missense variant.
Genome position (GRCh38, 1-based): chr5:135,029,168, C>A on the plus strand (G>T on the coding strand, the complement: PITX1 is on the minus strand). VCF-style: chr5-135029168-C-A. GRCh37 (hg19) VCF-style: chr5-134364858-C-A.
Other names: c.556G>T (NM_002653.4); short protein forms A186S.
Identifiers: ClinVar variation 2803939 (VCV002803939.4), dbSNP rs774275193, ClinGen allele CA3417582.